The following is an entry in ClinVar:

ClinVar aggregate classification (germline): Likely benign. Review status: criteria provided, multiple submitters, no conflicts (2 of 4 stars). 5 submissions from 5 submitters: Likely benign (4). 1 of the submissions does not count toward it. Last evaluated 2025-12-23.

Conditions:
GABRB3-related disorder. Also called: GABRB3-related condition.
Epilepsy, childhood absence, susceptibility to, 5. Identifiers: Orphanet 64280, MedGen C2677087, MONDO:0012843, OMIM 612269.
Epilepsy, childhood absence, susceptibility to, 1. Also called: Epilepsy, childhood absence 1. Identifiers: Orphanet 64280, MedGen C1838604, MONDO:0020759, OMIM 600131.
Inborn genetic diseases. Identifiers: MedGen C0950123, MeSH D030342.

Allele frequency attached by ClinVar (database versions not stated): gnomAD exomes 0.00017 and 0.00010; gnomAD 0.00015; TOPMed 0.00015; ExAC 0.00016.
gnomAD v4.1: 177 of 1,613,994 alleles (0.011%); highest among the groups gnomAD compares: East Asian, 0.025%; no homozygotes.

Submissions (5):

Labcorp Genetics (formerly Invitae), Labcorp
Classification: Likely benign for Epilepsy, childhood absence, susceptibility to, 5; Epilepsy, childhood absence, susceptibility to, 1. Last evaluated: 2025-12-23. Review status: criteria provided, single submitter. Criteria: Invitae Variant Classification Sherloc (09022015). Collection method: clinical testing. Allele origin: germline.

CeGaT Center for Human Genetics Tuebingen
Classification: Likely benign. Last evaluated: 2024-07-01. Review status: criteria provided, single submitter. Criteria: CeGaT Center For Human Genetics Tuebingen Variant Classification Criteria Version 2. Collection method: clinical testing. Allele origin: germline. Affected: yes. Observed: 3 variant alleles.
Comment: GABRB3: BP4, BP7

GeneDx
Classification: Likely benign. Last evaluated: 2018-01-31. Review status: criteria provided, single submitter. Criteria: GeneDx Variant Classification (06012015). Collection method: clinical testing. Allele origin: germline. Affected: yes.
Comment: This variant is considered likely benign or benign based on one or more of the following criteria: it is a conservative change, it occurs at a poorly conserved position in the protein, it is predicted to be benign by multiple in silico algorithms, and/or has population frequency not consistent with disease.

Ambry Genetics
Classification: Likely benign for Inborn genetic diseases. Last evaluated: 2017-03-08. Review status: criteria provided, single submitter. Criteria: Ambry Variant Classification Scheme 2023. Collection method: clinical testing. Allele origin: germline.

PreventionGenetics, part of Exact Sciences
Classification: Likely benign for GABRB3-related condition. Last evaluated: 2021-12-22. Review status: no assertion criteria provided. Collection method: clinical testing. Allele origin: germline. Not counted in ClinVar's aggregate classification.
Comment: This variant is classified as likely benign based on ACMG/AMP sequence variant interpretation guidelines (Richards et al. 2015 PMID: 25741868, with internal and published modifications).

NM_000814.6(GABRB3):c.585C>T (p.Gly195=)

Gene: GABRB3 (gamma-aminobutyric acid type A receptor subunit beta3; minus strand). Cytogenetic location: 15q12.
Variant type: single nucleotide variant.
Coding change: c.585C>T on transcript NM_000814.6 (MANE Select); coding-DNA position 585, C replaced by T.
Protein change: p.Gly195=; no amino-acid change (glycine 195 retained).
Molecular consequence: synonymous variant.
Genome position (GRCh38, 1-based): chr15:26,580,416, G>A on the plus strand (C>T on the coding strand, the complement: GABRB3 is on the minus strand). VCF-style: chr15-26580416-G-A. GRCh37 (hg19) VCF-style: chr15-26825563-G-A.
Other names: c.330C>T, p.Gly110= (NM_001191320.2, NM_001278631.2); c.372C>T, p.Gly124= (NM_001191321.3); c.585C>T, p.Gly195= (NM_021912.5).
Identifiers: ClinVar variation 383244 (VCV000383244.35), dbSNP rs781294125, ClinGen allele CA7437404.